The following is an entry in ClinVar:

NM_005559.4(LAMA1):c.7626+5G>C

Gene: LAMA1 (laminin subunit alpha 1; minus strand). Cytogenetic location: 18p11.31.
Variant type: single nucleotide variant.
Coding change: c.7626+5G>C on transcript NM_005559.4 (MANE Select); 5 bases into the intron after coding-DNA position 7626, G replaced by C.
Molecular consequence: intron variant.
Genome position (GRCh38, 1-based): chr18:6,961,581, C>G on the plus strand (G>C on the coding strand, the complement: LAMA1 is on the minus strand). VCF-style: chr18-6961581-C-G. GRCh37 (hg19) VCF-style: chr18-6961580-C-G.
Identifiers: ClinVar variation 4752238 (VCV004752238.1).
Genomic context (GRCh38, chr18:6,961,581, plus strand): 5'-TTCCACTCATTGTTTCCCGAAGTAATTTCCTGAGCTTGGGGCTCAGGAGCACTGGCCCTA[C>G]TCACCACGTGTGCTTCCTCACGATCACCCCGCTTCTCCACATCCCCGCCGAGGGCAGCCA-3'

ClinVar aggregate classification (germline): Uncertain significance (1 of 4 stars; one submission).

gnomAD v4.1: 1 of 1,613,140 alleles (0.000062%); highest among the groups gnomAD compares: Non-Finnish European, 0.000085%; no homozygotes.

Submission:

Labcorp Genetics (formerly Invitae), Labcorp
Classification: Uncertain significance. Last evaluated: 2025-05-14. Review status: criteria provided, single submitter. Criteria: Invitae Variant Classification Sherloc (09022015). Collection method: clinical testing. Allele origin: germline.
Comment: This sequence change falls in intron 53 of the LAMA1 gene. It does not directly change the encoded amino acid sequence of the LAMA1 protein. It affects a nucleotide within the consensus splice site. This variant is not present in population databases (gnomAD no frequency). This variant has not been reported in the literature in individuals affected with LAMA1-related conditions. Variants that disrupt the consensus splice site are a relatively common cause of aberrant splicing (PMID: 17576681, 9536098). Algorithms developed to predict the effect of sequence changes on RNA splicing suggest that this variant may disrupt the consensus splice site. In summary, the available evidence is currently insufficient to determine the role of this variant in disease. Therefore, it has been classified as a Variant of Uncertain Significance.

Literature cited by the submitters: PubMed 17576681; PubMed 9536098.